The following is an entry in ClinVar:

NM_021098.3(CACNA1H):c.6244C>T (p.Arg2082Trp)

Gene: CACNA1H (calcium voltage-gated channel subunit alpha1 H; plus strand). Cytogenetic location: 16p13.3.
Variant type: single nucleotide variant.
Coding change: c.6244C>T on transcript NM_021098.3 (MANE Select); coding-DNA position 6244, C replaced by T.
Protein change: p.Arg2082Trp; replaces arginine 2082 with tryptophan.
Molecular consequence: missense variant.
Genome position (GRCh38, 1-based): chr16:1,220,176, C>T. VCF-style: chr16-1220176-C-T. GRCh37 (hg19) VCF-style: chr16-1270176-C-T.
Other names: c.6226C>T, p.Arg2076Trp (NM_001005407.2); short protein forms R2082W, R2076W.
Identifiers: ClinVar variation 573391 (VCV000573391.39), dbSNP rs771719773, ClinGen allele CA7802278.

ClinVar aggregate classification (germline): Conflicting classifications of pathogenicity. Review status: criteria provided, conflicting classifications (1 of 4 stars). 5 submissions from 5 submitters: Uncertain significance (3); Benign (1); Likely benign (1). Last evaluated 2025-08-28.

Conditions:
Idiopathic generalized epilepsy. Also called: Generalised epilepsy; EIG. Identifiers: MedGen C0270850, MONDO:0005579, OMIM 600669.
Hyperaldosteronism, familial, type IV (HALD4). Also called: FH IV; ALDOSTERONISM, PRIMARY, AND HYPERTENSION. Identifiers: Orphanet 642671, MedGen C4310756, MONDO:0014875, OMIM 617027.
Inborn genetic diseases. Identifiers: MedGen C0950123, MeSH D030342.
Epilepsy, childhood absence, susceptibility to, 6. Identifiers: Orphanet 64280, MedGen C2749872, MONDO:0012763, OMIM 611942.

Allele frequency attached by ClinVar (database versions not stated): ExAC 0.00001; TOPMed 0.00004; gnomAD exomes 0.00005; gnomAD 0.00016.
gnomAD v4.1: 68 of 1,520,192 alleles (0.0045%); highest among the groups gnomAD compares: South Asian, 0.013%; no homozygotes.

Submissions (5):

Ambry Genetics
Classification: Uncertain significance for Inborn genetic diseases. Last evaluated: 2025-08-28. Review status: criteria provided, single submitter. Criteria: Ambry Variant Classification Scheme 2023. Collection method: clinical testing. Allele origin: germline.

Labcorp Genetics (formerly Invitae), Labcorp
Classification: Benign for Idiopathic generalized epilepsy; Hyperaldosteronism, familial, type IV. Last evaluated: 2025-08-03. Review status: criteria provided, single submitter. Criteria: Invitae Variant Classification Sherloc (09022015). Collection method: clinical testing. Allele origin: germline.

Women's Health and Genetics/Laboratory Corporation of America, LabCorp
Classification: Uncertain significance. Last evaluated: 2025-03-11. Review status: criteria provided, single submitter. Criteria: LabCorp Variant Classification Summary - May 2015. Collection method: clinical testing. Allele origin: germline.
Comment: Variant summary: CACNA1H c.6244C>T (p.Arg2082Trp) results in a non-conservative amino acid change in the encoded protein sequence. Three of five in-silico tools predict a benign effect of the variant on protein function. The variant allele was found at a frequency of 4.5e-05 in 1520192 control chromosomes. This frequency is not significantly higher than estimated for a pathogenic variant in CACNA1H causing Idiopathic Generalized Epilepsy, allowing no conclusion about variant significance. To our knowledge, no occurrence of c.6244C>T in individuals affected with Idiopathic Generalized Epilepsy and no experimental evidence demonstrating its impact on protein function have been reported. ClinVar contains an entry for this variant (Variation ID: 573391). Based on the evidence outlined above, the variant was classified as VUS-possibly benign.

Fulgent Genetics
Classification: Uncertain significance for Epilepsy, childhood absence, susceptibility to, 6; Hyperaldosteronism, familial, type IV. Last evaluated: 2024-04-11. Review status: criteria provided, single submitter. Criteria: ACMG Guidelines, 2015. Collection method: clinical testing. Allele origin: germline.

CeGaT Center for Human Genetics Tuebingen
Classification: Likely benign. Last evaluated: 2023-04-01. Review status: criteria provided, single submitter. Criteria: CeGaT Center For Human Genetics Tuebingen Variant Classification Criteria Version 2. Collection method: clinical testing. Allele origin: germline. Affected: yes. Observed: 1 variant allele.
Comment: CACNA1H: BP4